The following is an entry in ClinVar:

ClinVar aggregate classification (germline): Uncertain significance (1 of 4 stars; one submission).

gnomAD v4.1: 3 of 1,606,336 alleles (0.00019%); highest among the groups gnomAD compares: South Asian, 0.0033%; no homozygotes.

Submission:

Labcorp Genetics (formerly Invitae), Labcorp
Classification: Uncertain significance. Last evaluated: 2024-04-15. Review status: criteria provided, single submitter. Criteria: Invitae Variant Classification Sherloc (09022015). Collection method: clinical testing. Allele origin: germline.
Comment: This sequence change replaces proline, which is neutral and non-polar, with arginine, which is basic and polar, at codon 44 of the DIAPH3 protein (p.Pro44Arg). This variant is present in population databases (no rsID available, gnomAD 0.003%). This variant has not been reported in the literature in individuals affected with DIAPH3-related conditions. Algorithms developed to predict the effect of missense changes on protein structure and function output the following: SIFT: "Not Available"; PolyPhen-2: "Benign"; Align-GVGD: "Not Available". The arginine amino acid residue is found in multiple mammalian species, which suggests that this missense change does not adversely affect protein function. In summary, the available evidence is currently insufficient to determine the role of this variant in disease. Therefore, it has been classified as a Variant of Uncertain Significance.

NM_001042517.2(DIAPH3):c.131C>G (p.Pro44Arg)

Gene: DIAPH3 (diaphanous related formin 3; minus strand). Cytogenetic location: 13q21.2.
Variant type: single nucleotide variant.
Coding change: c.131C>G on transcript NM_001042517.2 (MANE Select); coding-DNA position 131, C replaced by G.
Protein change: p.Pro44Arg; replaces proline 44 with arginine.
Molecular consequence: missense variant.
Genome position (GRCh38, 1-based): chr13:60,163,636, G>C on the plus strand (C>G on the coding strand, the complement: DIAPH3 is on the minus strand). VCF-style: chr13-60163636-G-C. GRCh37 (hg19) VCF-style: chr13-60737770-G-C.
Other names: c.131C>G, p.Pro44Arg (NM_001258368.2, NM_001258369.2, NM_001258366.2 and 1 more transcripts); short protein forms P44R.
Identifiers: ClinVar variation 3649941 (VCV003649941.2).